The following is an entry in ClinVar:

ClinVar aggregate classification (germline): Conflicting classifications of pathogenicity. Review status: criteria provided, conflicting classifications (1 of 4 stars). 4 submissions from 4 submitters: Uncertain significance (1); Benign (1); Likely benign (2). Last evaluated 2025-12-13.

Conditions:
Inborn genetic diseases. Identifiers: MedGen C0950123, MeSH D030342.
Hypotonia, infantile, with psychomotor retardation and characteristic facies 2 (IHPRF2). Also called: UNC80 Deficiency. Identifiers: Orphanet 371364, Orphanet 700333, MedGen C4225203, MONDO:0014777, OMIM 616801.
UNC80-related disorder. Also called: UNC80-related condition.

Allele frequency attached by ClinVar (database versions not stated): gnomAD 0.00003; TOPMed 0.00012; ExAC 0.00068; 1000 Genomes Project 0.00080; 1000 Genomes Project 30x 0.00094.
gnomAD v4.1: 225 of 1,551,678 alleles (0.015%); highest among the groups gnomAD compares: South Asian, 0.19%; 2 homozygotes.

Submissions (4):

Labcorp Genetics (formerly Invitae), Labcorp
Classification: Benign. Last evaluated: 2025-12-13. Review status: criteria provided, single submitter. Criteria: Invitae Variant Classification Sherloc (09022015). Collection method: clinical testing. Allele origin: germline.

PreventionGenetics, part of Exact Sciences
Classification: Likely benign for UNC80-related condition. Last evaluated: 2025-03-13. Review status: criteria provided, single submitter. Criteria: ACMG Guidelines, 2015. Collection method: clinical testing. Allele origin: germline.
Comment: This variant is classified as likely benign based on ACMG/AMP sequence variant interpretation guidelines (Richards et al. 2015 PMID: 25741868, with internal and published modifications).

Ambry Genetics
Classification: Likely benign for Inborn genetic diseases. Last evaluated: 2025-01-21. Review status: criteria provided, single submitter. Criteria: Ambry Variant Classification Scheme 2023. Collection method: clinical testing. Allele origin: germline.

Baylor Genetics
Classification: Uncertain significance for Hypotonia, infantile, with psychomotor retardation and characteristic facies 2. Last evaluated: 2018-04-06. Review status: criteria provided, single submitter. Criteria: ACMG Guidelines, 2015. Collection method: clinical testing. Allele origin: maternal. Affected: yes.
Comment: This variant was determined to be of uncertain significance according to ACMG Guidelines, 2015 [PMID:25741868].

NM_001371986.1(UNC80):c.9449G>A (p.Arg3150His)

Gene: UNC80 (unc-80 subunit of NALCN channel complex; plus strand). Cytogenetic location: 2q34.
Variant type: single nucleotide variant.
Coding change: c.9449G>A on transcript NM_001371986.1 (MANE Select); coding-DNA position 9449, G replaced by A.
Protein change: p.Arg3150His; replaces arginine 3150 with histidine.
Molecular consequence: missense variant.
Genome position (GRCh38, 1-based): chr2:209,993,367, G>A. VCF-style: chr2-209993367-G-A. GRCh37 (hg19) VCF-style: chr2-210858091-G-A.
Other names: c.9251G>A, p.Arg3084His (NM_032504.2); c.9179G>A, p.Arg3060His (NM_182587.4); short protein forms R3150H, R3084H, R3060H.
Identifiers: ClinVar variation 798305 (VCV000798305.13), dbSNP rs557777623, ClinGen allele CA2083672.